The following is an entry in ClinVar:

ClinVar aggregate classification (germline): Likely benign. Review status: criteria provided, multiple submitters, no conflicts (2 of 4 stars). 2 submissions from 2 submitters: Likely benign (2). Last evaluated 2026-09-01.

Allele frequency attached by ClinVar (database versions not stated): gnomAD 0.00005; gnomAD exomes below 0.00001 and 0.00001; ExAC 0.00001; TOPMed 0.00004.
gnomAD v4.1: 14 of 1,613,866 alleles (0.00087%); highest among the groups gnomAD compares: African/African-American, 0.011%; no homozygotes.

Submissions (2):

CeGaT Center for Human Genetics Tuebingen
Classification: Likely benign. Last evaluated: 2026-09-01. Review status: criteria provided, single submitter. Criteria: CeGaT Center For Human Genetics Tuebingen Variant Classification Criteria Version 2. Collection method: clinical testing. Allele origin: germline. Affected: yes. Observed: 1 variant allele.
Comment: COL18A1: BP4, BP7

Labcorp Genetics (formerly Invitae), Labcorp
Classification: Likely benign. Last evaluated: 2025-11-24. Review status: criteria provided, single submitter. Criteria: Invitae Variant Classification Sherloc (09022015). Collection method: clinical testing. Allele origin: germline.

NM_001379500.1(COL18A1):c.107-12532C>T

Gene: COL18A1 (collagen type XVIII alpha 1 chain; plus strand). Cytogenetic location: 21q22.3.
Variant type: single nucleotide variant.
Coding change: c.107-12532C>T on transcript NM_001379500.1 (MANE Select); 12532 bases into the intron before coding-DNA position 107, C replaced by T.
Molecular consequence: intron variant. On other transcripts: synonymous variant (2).
Genome position (GRCh38, 1-based): chr21:45,455,710, C>T. VCF-style: chr21-45455710-C-T. GRCh37 (hg19) VCF-style: chr21-46875624-C-T.
Other names: c.180C>T, p.Thr60= (NM_030582.4, NM_130444.3).
Identifiers: ClinVar variation 1662751 (VCV001662751.9), dbSNP rs754968843, ClinGen allele CA10065403.